The following is an entry in ClinVar:

ClinVar aggregate classification (germline): Uncertain significance (1 of 4 stars; one submission).

Conditions:
Norman-Roberts syndrome (LIS2). Also called: Lissencephaly 2 (Norman-Roberts type). Identifiers: Orphanet 89844, MedGen C0796089, MONDO:0009760, OMIM 257320.
Familial temporal lobe epilepsy 7. Identifiers: Orphanet 101046, MedGen C4225327, MONDO:0014639, OMIM 616436.

Submission:

Labcorp Genetics (formerly Invitae), Labcorp
Classification: Uncertain significance for Familial temporal lobe epilepsy 7; Norman-Roberts syndrome. Last evaluated: 2024-12-30. Review status: criteria provided, single submitter. Criteria: Invitae Variant Classification Sherloc (09022015). Collection method: clinical testing. Allele origin: germline.
Comment: This sequence change replaces arginine, which is basic and polar, with glycine, which is neutral and non-polar, at codon 2818 of the RELN protein (p.Arg2818Gly). This variant is not present in population databases (gnomAD no frequency). This variant has not been reported in the literature in individuals affected with RELN-related conditions. Invitae Evidence Modeling of protein sequence and biophysical properties (such as structural, functional, and spatial information, amino acid conservation, physicochemical variation, residue mobility, and thermodynamic stability) indicates that this missense variant is not expected to disrupt RELN protein function with a negative predictive value of 80%. In summary, the available evidence is currently insufficient to determine the role of this variant in disease. Therefore, it has been classified as a Variant of Uncertain Significance.

NM_005045.4(RELN):c.8452A>G (p.Arg2818Gly)

Genes: SLC26A5-AS1 (SLC26A5 antisense RNA 1; plus strand), RELN (reelin; minus strand). Cytogenetic location: 7q22.1.
Variant type: single nucleotide variant.
Coding change: c.8452A>G on transcript NM_005045.4 (MANE Select); coding-DNA position 8452, A replaced by G.
Protein change: p.Arg2818Gly; replaces arginine 2818 with glycine.
Molecular consequence: missense variant.
Genome position (GRCh38, 1-based): chr7:103,503,053, T>C on the plus strand (A>G on the coding strand, the complement: RELN is on the minus strand). VCF-style: chr7-103503053-T-C. GRCh37 (hg19) VCF-style: chr7-103143500-T-C.
Other names: c.8452A>G, p.Arg2818Gly (NM_173054.3); short protein forms R2818G.
Identifiers: ClinVar variation 3758935 (VCV003758935.2).